The following is an entry in ClinVar:

NM_000301.5(PLG):c.677del (p.Asn226fs)

Gene: PLG (plasminogen; plus strand). Cytogenetic location: 6q26.
Variant type: Deletion.
Coding change: c.677del on transcript NM_000301.5 (MANE Select); coding-DNA position 677, one base deleted (A; older notation c.677delA).
Protein change: p.Asn226fs; shifts the reading frame from asparagine 226.
Molecular consequence: frameshift variant.
Genome position (GRCh38, 1-based): chr6:160,716,653, A deleted; the last of 3 consecutive A bases (chr6:160,716,651-160,716,653); deleting any one gives the same sequence. VCF-style (leftmost placement, unchanged base first): chr6-160716650-CA-C. GRCh37 (hg19) VCF-style: chr6-161137682-CA-C.
Other names: short protein forms N226fs.
Identifiers: ClinVar variation 3764685 (VCV003764685.2).

ClinVar aggregate classification (germline): Likely pathogenic (1 of 4 stars; one submission).

Conditions:
Plasminogen deficiency, type I. Also called: Hypoplasminogenemia; Type 1 plasminogen deficiency. Identifiers: Orphanet 722, MedGen C1968804, MONDO:0009009, OMIM 217090.

Submission:

Juno Genomics, Hangzhou Juno Genomics, Inc
Classification: Likely pathogenic for Plasminogen deficiency, type I. Review status: criteria provided, single submitter. Criteria: ACMG Guidelines, 2015. Collection method: clinical testing. Allele origin: germline. Affected: yes.
Comment: Absent from controls (or at extremely low frequency if recessive) in Genome Aggregation Database, Exome Sequencing Project, 1000 Genomes Project, or Exome Aggregation Consortium.;Null variant in a gene where loss of function (LOF) is a known mechanism of disease.